The following is an entry in ClinVar:

ClinVar aggregate classification (germline): Uncertain significance (1 of 4 stars; one submission).

Allele frequency attached by ClinVar (database versions not stated): gnomAD exomes below 0.00001; TOPMed below 0.00001; gnomAD 0.00001.

Submission:

GeneDx
Classification: Uncertain significance. Last evaluated: 2022-12-19. Review status: criteria provided, single submitter. Criteria: GeneDx Variant Classification Process June 2021. Collection method: clinical testing. Allele origin: germline. Affected: yes.
Comment: Not observed at significant frequency in large population cohorts (gnomAD); In silico analysis supports that this missense variant does not alter protein structure/function; Has not been previously published as pathogenic or benign to our knowledge

NM_000937.5(POLR2A):c.5891A>G (p.Asp1964Gly)

Gene: POLR2A (RNA polymerase II subunit A; plus strand). Cytogenetic location: 17p13.1.
Variant type: single nucleotide variant.
Coding change: c.5891A>G on transcript NM_000937.5 (MANE Select); coding-DNA position 5891, A replaced by G.
Protein change: p.Asp1964Gly; replaces aspartic acid 1964 with glycine.
Molecular consequence: missense variant.
Genome position (GRCh38, 1-based): chr17:7,514,157, A>G. VCF-style: chr17-7514157-A-G. GRCh37 (hg19) VCF-style: chr17-7417474-A-G.
Other names: short protein forms D1964G.
Identifiers: ClinVar variation 1309324 (VCV001309324.2), dbSNP rs2070738002, ClinGen allele CA397840619.